The following is an entry in ClinVar:

ClinVar aggregate classification (germline): Uncertain significance. Review status: criteria provided, multiple submitters, no conflicts (2 of 4 stars). 2 submissions from 2 submitters: Uncertain significance (2). Last evaluated 2024-12-31.

Conditions:
Hereditary cancer-predisposing syndrome. Also called: Hereditary neoplastic syndrome; Tumor predisposition; Neoplastic Syndromes, Hereditary; Hereditary Cancer Syndrome. Identifiers: Orphanet 140162, MedGen C0027672, MeSH D009386, MONDO:0015356.
Gorlin syndrome. Also called: Nevoid Basal Cell Carcinoma Syndrome; Basal cell nevus syndrome. Identifiers: Orphanet 377, MedGen C0004779, MONDO:0007187.

Submissions (2):

Ambry Genetics
Classification: Uncertain significance for Hereditary cancer-predisposing syndrome. Last evaluated: 2024-12-31. Review status: criteria provided, single submitter. Criteria: Ambry Variant Classification Scheme 2023. Collection method: clinical testing. Allele origin: germline.
Comment: The p.P964A variant (also known as c.2890C>G), located in coding exon 18 of the PTCH1 gene, results from a C to G substitution at nucleotide position 2890. The proline at codon 964 is replaced by alanine, an amino acid with highly similar properties. This amino acid position is conserved. In addition, the in silico prediction for this alteration is inconclusive. Based on the available evidence, the clinical significance of this variant remains unclear.

Labcorp Genetics (formerly Invitae), Labcorp
Classification: Uncertain significance for Gorlin syndrome. Last evaluated: 2021-04-17. Review status: criteria provided, single submitter. Criteria: Invitae Variant Classification Sherloc (09022015). Collection method: clinical testing. Allele origin: germline.
Comment: In summary, the available evidence is currently insufficient to determine the role of this variant in disease. Therefore, it has been classified as a Variant of Uncertain Significance. Algorithms developed to predict the effect of missense changes on protein structure and function are either unavailable or do not agree on the potential impact of this missense change (SIFT: "Tolerated"; PolyPhen-2: "Probably Damaging"; Align-GVGD: "Class C0"). This variant has not been reported in the literature in individuals with PTCH1-related conditions. This variant is not present in population databases (ExAC no frequency). This sequence change replaces proline with alanine at codon 964 of the PTCH1 protein (p.Pro964Ala). The proline residue is moderately conserved and there is a small physicochemical difference between proline and alanine.

NM_000264.5(PTCH1):c.2890C>G (p.Pro964Ala)

Gene: PTCH1 (patched 1; minus strand). Cytogenetic location: 9q22.32.
Variant type: single nucleotide variant.
Coding change: c.2890C>G on transcript NM_000264.5 (MANE Select); coding-DNA position 2890, C replaced by G.
Protein change: p.Pro964Ala; replaces proline 964 with alanine.
Molecular consequence: missense variant. On other transcripts: non-coding transcript variant (1).
Genome position (GRCh38, 1-based): chr9:95,458,291, G>C on the plus strand (C>G on the coding strand, the complement: PTCH1 is on the minus strand). VCF-style: chr9-95458291-G-C. GRCh37 (hg19) VCF-style: chr9-98220573-G-C.
Other names: c.2890C>G (NM_000264.3); c.2692C>G, p.Pro898Ala (NM_001083602.3); c.2887C>G, p.Pro963Ala (NM_001083603.3); c.2437C>G, p.Pro813Ala (NM_001083604.3, NM_001083605.3, NM_001083606.3 and 1 more transcripts); c.2734C>G, p.Pro912Ala (NM_001354918.2); short protein forms P898A, P964A, P813A, P912A, P963A.
Identifiers: ClinVar variation 1483390 (VCV001483390.10), dbSNP rs1839141749, ClinGen allele CA374112846.